The following is an entry in ClinVar:

NM_006035.4(CDC42BPB):c.2799A>G (p.Glu933=)

Gene: CDC42BPB (CDC42 binding protein kinase beta; minus strand). Cytogenetic location: 14q32.32.
Variant type: single nucleotide variant.
Coding change: c.2799A>G on transcript NM_006035.4 (MANE Select); coding-DNA position 2799, A replaced by G.
Protein change: p.Glu933=; no amino-acid change (glutamic acid 933 retained).
Molecular consequence: synonymous variant.
Genome position (GRCh38, 1-based): chr14:102,963,083, T>C on the plus strand (A>G on the coding strand, the complement: CDC42BPB is on the minus strand). VCF-style: chr14-102963083-T-C. GRCh37 (hg19) VCF-style: chr14-103429420-T-C.
Other names: c.2799A>G, p.Glu933= (NM_001411054.1).
Identifiers: ClinVar variation 3059038 (VCV003059038.2), dbSNP rs34301396, ClinGen allele CA7360957.

ClinVar aggregate classification (germline): Benign (0 of 4 stars; one submission).

Conditions:
CDC42BPB-related disorder.

Allele frequency attached by ClinVar (database versions not stated): gnomAD exomes 0.04148; ExAC 0.04589; 1000 Genomes Project 0.04752; 1000 Genomes Project 30x 0.04997; gnomAD 0.06050; TOPMed 0.06213; ESP Exome Variant Server 0.06270.
gnomAD v4.1: 67,030 of 1,537,242 alleles (4.4%); highest among the groups gnomAD compares: African/African-American, 9.5%; 1,785 homozygotes.

Submission:

PreventionGenetics, part of Exact Sciences
Classification: Benign for CDC42BPB-related condition. Last evaluated: 2019-09-17. Review status: no assertion criteria provided. Collection method: clinical testing. Allele origin: germline.
Comment: This variant is classified as benign based on ACMG/AMP sequence variant interpretation guidelines (Richards et al. 2015 PMID: 25741868, with internal and published modifications).